The following is an entry in ClinVar:

NM_001374385.1(ATP8B1):c.1883G>A (p.Arg628Gln)

Gene: ATP8B1 (ATPase phospholipid transporting 8B1; minus strand). Cytogenetic location: 18q21.31.
Variant type: single nucleotide variant.
Coding change: c.1883G>A on transcript NM_001374385.1 (MANE Select); coding-DNA position 1883, G replaced by A.
Protein change: p.Arg628Gln; replaces arginine 628 with glutamine.
Molecular consequence: missense variant.
Genome position (GRCh38, 1-based): chr18:57,671,517, C>T on the plus strand (G>A on the coding strand, the complement: ATP8B1 is on the minus strand). VCF-style: chr18-57671517-C-T. GRCh37 (hg19) VCF-style: chr18-55338749-C-T.
Other names: c.1733G>A, p.Arg578Gln (NM_001374386.1); c.1883G>A, p.Arg628Gln (NM_005603.6); short protein forms R578Q, R628Q.
Identifiers: ClinVar variation 4846274 (VCV004846274.1).

ClinVar aggregate classification (germline): Uncertain significance (1 of 4 stars; one submission).

Conditions:
Familial intrahepatic cholestasis. Identifiers: Orphanet 284385, MedGen CN296401, MONDO:0017290.

gnomAD v4.1: 27 of 1,614,092 alleles (0.0017%); highest among the groups gnomAD compares: South Asian, 0.0099%; no homozygotes.

Submission:

Genomenon, Inc
Classification: Uncertain significance for Familial intrahepatic cholestasis. Last evaluated: 2026-04-14. Review status: criteria provided, single submitter. Criteria: Genomenon Sequence Variant Interpretation Standards - Updated. Collection method: curation. Allele origin: germline. Affected: no.
Comment: ATP8B1 p.Arg628Gln (c.1883G>A) is a missense variant that changes the amino acid at residue 628 from Arginine to Glutamine. This variant has been reported in the published literature (PMID:37208429). It is absent or not present at a significant frequency in gnomAD. In silico models predict that this variant is possibly or probably damaging. In conclusion, we classify ATP8B1 p.Arg628Gln (c.1883G>A) as a variant of uncertain significance.

Literature cited by the submitters: PubMed 37208429.